The following is an entry in ClinVar:

ClinVar aggregate classification (germline): Benign/Likely benign. Review status: criteria provided, multiple submitters, no conflicts (2 of 4 stars). 4 submissions from 4 submitters: Benign (1); Likely benign (3). Last evaluated 2026-01-23.

Conditions:
Joubert syndrome 21 (JBTS21). Identifiers: MedGen C3810212, MONDO:0014288, OMIM 615636.

Allele frequency attached by ClinVar (database versions not stated): gnomAD exomes 0.00023 and 0.00088; ExAC 0.00106; 1000 Genomes Project 0.00180; 1000 Genomes Project 30x 0.00187; ESP Exome Variant Server 0.00266; gnomAD 0.00271 and 0.00290; TOPMed 0.00321.
gnomAD v4.1: 733 of 1,513,298 alleles (0.048%); highest among the groups gnomAD compares: African/African-American, 0.95%; 2 homozygotes.

Submissions (4):

Labcorp Genetics (formerly Invitae), Labcorp
Classification: Benign for Joubert syndrome 21. Last evaluated: 2026-01-23. Review status: criteria provided, single submitter. Criteria: Invitae Variant Classification Sherloc (09022015). Collection method: clinical testing. Allele origin: germline.

Blueprint Genetics
Classification: Likely benign. Last evaluated: 2024-11-12. Review status: criteria provided, single submitter. Criteria: ACMG Guidelines, 2015. Collection method: clinical testing. Allele origin: germline.

GeneDx
Classification: Likely benign. Last evaluated: 2018-05-21. Review status: criteria provided, single submitter. Criteria: GeneDx Variant Classification (06012015). Collection method: clinical testing. Allele origin: germline. Affected: yes.
Comment: This variant is considered likely benign or benign based on one or more of the following criteria: it is a conservative change, it occurs at a poorly conserved position in the protein, it is predicted to be benign by multiple in silico algorithms, and/or has population frequency not consistent with disease.

Breakthrough Genomics
Classification: Likely benign. Review status: criteria provided, single submitter. Criteria: ACMG Guidelines, 2015. Collection method: not provided. Allele origin: germline. Inheritance: Autosomal recessive inheritance. Affected: yes.

NM_001382391.1(CSPP1):c.484-15T>G

Gene: CSPP1 (centrosome and spindle pole associated protein 1; plus strand). Cytogenetic location: 8q13.1.
Variant type: single nucleotide variant.
Coding change: c.484-15T>G on transcript NM_001382391.1 (MANE Select); 15 bases into the intron before coding-DNA position 484, T replaced by G.
Molecular consequence: intron variant.
Genome position (GRCh38, 1-based): chr8:67,095,278, T>G. VCF-style: chr8-67095278-T-G. GRCh37 (hg19) VCF-style: chr8-68007513-T-G.
Other names: c.484-15T>G (NM_001363132.2); c.403-15T>G (NM_001363131.2, NM_001363133.2); c.592-15T>G (NM_001364869.1); c.511-15T>G (NM_024790.7, NM_001438331.1, NM_001438330.1 and 2 more transcripts); c.-372-15T>G (NM_001291339.2).
Identifiers: ClinVar variation 668430 (VCV000668430.12), dbSNP rs199671558, ClinGen allele CA4770308.